The following is an entry in ClinVar:

ClinVar aggregate classification (germline): Uncertain significance (1 of 4 stars; one submission).

Conditions:
NCOA1-related disorder. Also called: NCOA1-related condition.

gnomAD v4.1: 4 of 1,613,566 alleles (0.00025%); highest among the groups gnomAD compares: Middle Eastern, 0.016%; no homozygotes.

Submission:

PreventionGenetics, part of Exact Sciences
Classification: Uncertain significance for NCOA1-related condition. Last evaluated: 2025-03-17. Review status: criteria provided, single submitter. Criteria: ACMG Guidelines, 2015. Collection method: clinical testing. Allele origin: germline.
Comment: The NCOA1 c.3890G>A variant is predicted to result in the amino acid substitution p.Ser1297Asn. To our knowledge, this variant has not been reported in the literature. This variant is reported in 0.00088% of alleles in individuals of European (Non-Finnish) descent in gnomAD. At this time, the clinical significance of this variant is uncertain due to the absence of conclusive functional and genetic evidence.

NM_003743.5(NCOA1):c.3890G>A (p.Ser1297Asn)

Gene: NCOA1 (nuclear receptor coactivator 1; plus strand). Cytogenetic location: 2p23.3.
Variant type: single nucleotide variant.
Coding change: c.3890G>A on transcript NM_003743.5 (MANE Select); coding-DNA position 3890, G replaced by A.
Protein change: p.Ser1297Asn; replaces serine 1297 with asparagine.
Molecular consequence: missense variant.
Genome position (GRCh38, 1-based): chr2:24,757,981, G>A. VCF-style: chr2-24757981-G-A. GRCh37 (hg19) VCF-style: chr2-24980850-G-A.
Other names: c.3890G>A, p.Ser1297Asn (NM_001362950.1, NM_001362952.1, NM_001362954.1 and 3 more transcripts); short protein forms S1297N.
Identifiers: ClinVar variation 4998953 (VCV004998953.1).